The following is an entry in ClinVar:

ClinVar aggregate classification (germline): Pathogenic. Review status: criteria provided, single submitter (1 of 4 stars). 2 submissions from 2 submitters: Pathogenic (1). 1 of the submissions does not count toward it. Last evaluated 2018-12-06.

Conditions:
Familial adenomatous polyposis 1 (FAP1). Also called: FAMILIAL ADENOMATOUS POLYPOSIS 1, ATTENUATED; POLYPOSIS, ADENOMATOUS INTESTINAL. Identifiers: MedGen C2713442, MONDO:0021056, OMIM 175100. Disease mechanism: loss of function.
Carcinoma of colon (CRC). Also called: Colon carcinoma; Colonic carcinoma. Identifiers: MedGen C0699790, MONDO:0002032.

Submissions (2):

Labcorp Genetics (formerly Invitae), Labcorp
Classification: Pathogenic for Familial adenomatous polyposis 1. Last evaluated: 2018-12-06. Review status: criteria provided, single submitter. Criteria: Invitae Variant Classification Sherloc (09022015). Collection method: clinical testing. Allele origin: germline.
Comment: This variant has been observed in individuals with colonic adenomatous polyposis (PMID: 20685668). ClinVar contains an entry for this variant (Variation ID: 433644). For these reasons, this variant has been classified as Pathogenic. This variant disrupts the C-terminus of the APC protein. Other variant(s) that disrupt this region (p.Tyr2645Lysfs*14) have been determined to be pathogenic (PMID: 9824584, 1316610, 27081525, 8381579, 22135120, Invitae). This suggests that variants that disrupt this region of the protein are likely to be causative of disease. This variant is expected to disrupt the EB1 and HDLG binding sites, which mediate interactions with the cytoskeleton (PMID: 15311282, 17293347). While functional studies have not been performed to directly test the effect on APC protein function, this suggests that disruption of the C-terminal portion of the protein is functionally important. This variant is not present in population databases (ExAC no frequency). This sequence change results in a premature translational stop signal in the APC gene (p.Glu1149Lysfs*15). While this is not anticipated to result in nonsense mediated decay, it is expected to disrupt the last 1695 amino acids of the APC protein.

Department of Pathology and Laboratory Medicine, Sinai Health System
Classification: Pathogenic for Carcinoma of colon. Review status: no assertion criteria provided. Collection method: clinical testing. Allele origin: unknown. Affected: yes. Study: The Canadian Open Genetics Repository (COGR). Not counted in ClinVar's aggregate classification.
Comment: The p.Glu1149LysfsX15 deletion variant has been previously reported in the literature in two individuals with familial adenomatous polyposis (Lagard 2010). This deletion is predicted to cause a frameshift, which alters the protein's amino acid sequence beginning at codon 1149 and leads to a premature stop codon 15 amino acids downstream. This alteration is then predicted to lead to a truncated or absent protein and loss of function. Loss of function of the APC gene is a known disease mechanism and is the type of DNA alteration that is expected to cause FAP. In summary, based on the above information, this variant is classified as pathogenic.

Literature cited by the submitters: PubMed 20685668 (cited by Labcorp Genetics (formerly Invitae), Labcorp); PubMed 9824584 (cited by Labcorp Genetics (formerly Invitae), Labcorp); PubMed 1316610 (cited by Labcorp Genetics (formerly Invitae), Labcorp); PubMed 27081525 (cited by Labcorp Genetics (formerly Invitae), Labcorp); PubMed 8381579 (cited by Labcorp Genetics (formerly Invitae), Labcorp); PubMed 22135120 (cited by Labcorp Genetics (formerly Invitae), Labcorp); PubMed 15311282 (cited by Labcorp Genetics (formerly Invitae), Labcorp); PubMed 17293347 (cited by Labcorp Genetics (formerly Invitae), Labcorp).

NM_000038.6(APC):c.3444_3447del (p.Glu1149fs)

Gene: APC (APC regulator of Wnt signaling pathway; plus strand). Cytogenetic location: 5q22.2.
Variant type: Deletion.
Coding change: c.3444_3447del on transcript NM_000038.6 (MANE Select); coding-DNA positions 3444 to 3447, 4 bases deleted (TGAA; older notation c.3444_3447delTGAA).
Protein change: p.Glu1149fs; shifts the reading frame from glutamic acid 1149.
Molecular consequence: frameshift variant.
Genome position (GRCh38, 1-based): chr5:112,839,038-112,839,041, TGAA deleted. VCF-style (leftmost placement, unchanged base first): chr5-112839037-CTGAA-C. GRCh37 (hg19) VCF-style: chr5-112174734-CTGAA-C.
Other names: c.3444_3447del, p.Glu1149fs (NM_001127510.3, NM_001354895.2); c.3390_3393del, p.Glu1131fs (NM_001127511.3); c.3498_3501del, p.Glu1167fs (NM_001354896.2); c.3474_3477del, p.Glu1159fs (NM_001354897.2); c.3369_3372del, p.Glu1124fs (NM_001354898.2); c.3360_3363del, p.Glu1121fs (NM_001354899.2); c.3321_3324del, p.Glu1108fs (NM_001354900.2); c.3267_3270del, p.Glu1090fs (NM_001354901.2); and 5 more; short protein forms E1048fs, E1058fs, E1159fs, E1124fs, E1131fs, E1167fs, E1090fs, E1108fs.
Identifiers: ClinVar variation 433644 (VCV000433644.12), dbSNP rs1554085005, ClinGen allele CA645372785.